The following is an entry in ClinVar:

NM_005751.5(AKAP9):c.2636A>G (p.Glu879Gly)

Gene: AKAP9 (A-kinase anchoring protein 9; plus strand). Cytogenetic location: 7q21.2.
Variant type: single nucleotide variant.
Coding change: c.2636A>G on transcript NM_005751.5 (MANE Select); coding-DNA position 2636, A replaced by G.
Protein change: p.Glu879Gly; replaces glutamic acid 879 with glycine.
Molecular consequence: missense variant.
Genome position (GRCh38, 1-based): chr7:92,002,553, A>G. VCF-style: chr7-92002553-A-G. GRCh37 (hg19) VCF-style: chr7-91631867-A-G.
Other names: c.2636A>G, p.Glu879Gly (NM_147185.3); short protein forms E879G.
Identifiers: ClinVar variation 1794115 (VCV001794115.4), dbSNP rs777030400, ClinGen allele CA4336172.

ClinVar aggregate classification (germline): Uncertain significance. Review status: criteria provided, multiple submitters, no conflicts (2 of 4 stars). 3 submissions from 3 submitters: Uncertain significance (3). Last evaluated 2025-11-18.

Conditions:
Cardiovascular phenotype. Identifiers: MedGen CN230736.
Long QT syndrome (LQTS). Identifiers: MedGen C0023976, MeSH D008133, MONDO:0002442. Disease mechanism: loss of function. Inheritance: Various modes of inheritance.
Cardiomyopathy (CMYO). Also called: Cardiomyopathies. Identifiers: Orphanet 167848, MedGen C0878544, MONDO:0004994, HP:0001638. Inheritance: Various modes of inheritance.

Allele frequency attached by ClinVar (database versions not stated): gnomAD exomes 0.00001; ExAC 0.00005; gnomAD 0.00001; TOPMed 0.00001.
gnomAD v4.1: 14 of 1,609,778 alleles (0.00087%); highest among the groups gnomAD compares: Non-Finnish European, 0.0012%; no homozygotes.

Submissions (3):

Petrovsky National Research Centre of Surgery, The Federal Agency for Scientific Organizations
Classification: Uncertain significance for Cardiomyopathy. Last evaluated: 2025-11-18. Review status: criteria provided, single submitter. Criteria: ACMG Guidelines, 2015. Collection method: clinical testing. Allele origin: germline. Affected: yes. Observed: 1 variant allele.
Comment: The variant is present in The Genome Aggregation Database (gnomAD) v4.1.0 with a total MAF of 0.000008697. In accordance with ACMG (2015) criteria, this variant is classified as Variant of Uncertain Significance (Class III) with the following criteria applied: PM2_moderate.

Labcorp Genetics (formerly Invitae), Labcorp
Classification: Uncertain significance for Long QT syndrome. Last evaluated: 2025-07-30. Review status: criteria provided, single submitter. Criteria: Invitae Variant Classification Sherloc (09022015). Collection method: clinical testing. Allele origin: germline.
Comment: This sequence change replaces glutamic acid, which is acidic and polar, with glycine, which is neutral and non-polar, at codon 879 of the AKAP9 protein (p.Glu879Gly). This variant is present in population databases (rs777030400, gnomAD 0.006%). This variant has not been reported in the literature in individuals affected with AKAP9-related conditions. ClinVar contains an entry for this variant (Variation ID: 1794115). An algorithm developed to predict the effect of missense changes on protein structure and function (PolyPhen-2) suggests that this variant is likely to be disruptive. In summary, the available evidence is currently insufficient to determine the role of this variant in disease. Therefore, it has been classified as a Variant of Uncertain Significance.

Ambry Genetics
Classification: Uncertain significance for Cardiovascular phenotype. Last evaluated: 2022-07-06. Review status: criteria provided, single submitter. Criteria: Ambry Variant Classification Scheme 2023. Collection method: clinical testing. Allele origin: germline.
Comment: The p.E879G variant (also known as c.2636A>G), located in coding exon 8 of the AKAP9 gene, results from an A to G substitution at nucleotide position 2636. The glutamic acid at codon 879 is replaced by glycine, an amino acid with similar properties. This amino acid position is conserved. In addition, this alteration is predicted to be tolerated by in silico analysis. Since supporting evidence is limited at this time, the clinical significance of this alteration remains unclear.